The following is an entry in ClinVar:

NM_000052.7(ATP7A):c.1544-2A>T

Gene: ATP7A (ATPase copper transporting alpha; plus strand). Cytogenetic location: Xq21.1.
Variant type: single nucleotide variant.
Coding change: c.1544-2A>T on transcript NM_000052.7 (MANE Select); the canonical splice acceptor site of the intron before coding-DNA position 1544, A replaced by T.
Molecular consequence: splice acceptor variant.
Genome position (GRCh38, 1-based): chrX:78,003,071, A>T. VCF-style: chrX-78003071-A-T. GRCh37 (hg19) VCF-style: chrX-77258568-A-T.
Other names: c.1544-2A>T (NM_001282224.2).
Identifiers: ClinVar variation 931530 (VCV000931530.10), dbSNP rs2077751404, ClinGen allele CA413595167.

ClinVar aggregate classification (germline): Likely pathogenic. Review status: criteria provided, multiple submitters, no conflicts (2 of 4 stars). 2 submissions from 2 submitters: Likely pathogenic (2). Last evaluated 2019-03-20.

Conditions:
Cutis laxa, X-linked (OHS). Also called: EDS IX; Occipital horn syndrome. Identifiers: Orphanet 198, MedGen C0268353, MONDO:0010572, OMIM 304150.
X-linked distal spinal muscular atrophy type 3. Also called: SPINAL MUSCULAR ATROPHY, DISTAL, X-LINKED RECESSIVE; ATP7A-Related Distal Motor Neuropathy; NEURONOPATHY, DISTAL HEREDITARY MOTOR, X-LINKED; NEUROPATHY, DISTAL HEREDITARY MOTOR, X-LINKED. Identifiers: Orphanet 139557, MedGen C1845359, MONDO:0010338, OMIM 300489.
Menkes kinky-hair syndrome (MNK). Also called: Copper transport disease; Classic Menkes Disease; Menkes Disease. Identifiers: Orphanet 565, MedGen C0022716, MONDO:0010651, OMIM 309400.

Submissions (2):

Centre for Mendelian Genomics, University Medical Centre Ljubljana
Classification: Likely pathogenic for Cutis laxa, X-linked. Last evaluated: 2019-03-20. Review status: criteria provided, single submitter. Criteria: ACMG Guidelines, 2015. Collection method: clinical testing. Allele origin: unknown. Affected: yes.
Comment: This variant was classified as: Likely pathogenic. The following ACMG criteria were applied in classifying this variant: PVS1,PP2,PP3. This variant was detected in hemizygous state.

Labcorp Genetics (formerly Invitae), Labcorp
Classification: Likely pathogenic for X-linked distal spinal muscular atrophy type 3; Cutis laxa, X-linked; Menkes kinky-hair syndrome. Last evaluated: 2018-06-26. Review status: criteria provided, single submitter. Criteria: Invitae Variant Classification Sherloc (09022015). Collection method: clinical testing. Allele origin: germline.
Comment: In summary, the currently available evidence indicates that the variant is pathogenic, but additional data are needed to prove that conclusively. Therefore, this variant has been classified as Likely Pathogenic. Donor and acceptor splice site variants typically lead to a loss of protein function (PMID: 16199547), and loss-of-function variants in ATP7A are known to be pathogenic (PMID: 11241493, 20652413). Algorithms developed to predict the effect of sequence changes on RNA splicing suggest that this variant may disrupt the consensus splice site, but this prediction has not been confirmed by published transcriptional studies. This variant has not been reported in the literature in individuals with ATP7A-related disease. This variant is not present in population databases (ExAC no frequency). This sequence change affects an acceptor splice site in intron 5 of the ATP7A gene. It is expected to disrupt RNA splicing and likely results in an absent or disrupted protein product.

Literature cited by the submitters: PubMed 16199547 (cited by Labcorp Genetics (formerly Invitae), Labcorp); PubMed 11241493 (cited by Labcorp Genetics (formerly Invitae), Labcorp); PubMed 20652413 (cited by Labcorp Genetics (formerly Invitae), Labcorp).